The following is an entry in ClinVar:

ClinVar aggregate classification (germline): Uncertain significance (1 of 4 stars; one submission).

Conditions:
Cardiovascular phenotype. Identifiers: MedGen CN230736.

Submission:

Ambry Genetics
Classification: Uncertain significance for Cardiovascular phenotype. Last evaluated: 2022-10-21. Review status: criteria provided, single submitter. Criteria: Ambry Variant Classification Scheme 2023. Collection method: clinical testing. Allele origin: germline.
Comment: The p.T288A variant (also known as c.862A>G), located in coding exon 2 of the JPH2 gene, results from an A to G substitution at nucleotide position 862. The threonine at codon 288 is replaced by alanine, an amino acid with similar properties. This amino acid position is conserved. In addition, this alteration is predicted to be tolerated by in silico analysis. Since supporting evidence is limited at this time, the clinical significance of this alteration remains unclear.

NM_020433.5(JPH2):c.862A>G (p.Thr288Ala)

Gene: JPH2 (junctophilin 2; minus strand). Cytogenetic location: 20q13.12.
Variant type: single nucleotide variant.
Coding change: c.862A>G on transcript NM_020433.5 (MANE Select); coding-DNA position 862, A replaced by G.
Protein change: p.Thr288Ala; replaces threonine 288 with alanine.
Molecular consequence: missense variant.
Genome position (GRCh38, 1-based): chr20:44,159,925, T>C on the plus strand (A>G on the coding strand, the complement: JPH2 is on the minus strand). VCF-style: chr20-44159925-T-C. GRCh37 (hg19) VCF-style: chr20-42788565-T-C.
Other names: short protein forms T288A.
Identifiers: ClinVar variation 1764089 (VCV001764089.2), dbSNP rs2515744527, ClinGen allele CA409093519.